The following is an entry in ClinVar:

ClinVar aggregate classification (germline): Pathogenic (0 of 4 stars; one submission).

Conditions:
Spinocerebellar ataxia type 10 (SCA10). Identifiers: Orphanet 98761, MedGen C1963674, MONDO:0011330, OMIM 603516.

Submission:

GeneReviews
Classification: Pathogenic for Spinocerebellar Ataxia Type10. Last evaluated: 2012-09-20. Review status: no assertion criteria provided. Collection method: curation. Allele origin: unknown.
ClinVar note: Converted during submission from pathologic to Pathogenic.

NM_013236.3(ATXN10):c.1173+54822_1173+54826ATTCT(400_760)

Genes: ATXN10 (ataxin 10; plus strand), LOC107181287 (origin of replication for ATXN10 repeat region; plus strand), LOC108660404 (ataxin 10 repeat instability region; plus strand). Cytogenetic location: 22q13.31.
Variant type: Microsatellite.
Coding change: c.1173+54822_1173+54826ATTCT(400_760) on transcript NM_013236.3.
Identifiers: ClinVar variation 39004 (VCV000039004.3).